The following is an entry in ClinVar:

ClinVar aggregate classification (germline): Uncertain significance (1 of 4 stars; one submission).

Submission:

GeneDx
Classification: Uncertain significance. Last evaluated: 2020-07-22. Review status: criteria provided, single submitter. Criteria: GeneDx Variant Classification Process June 2021. Collection method: clinical testing. Allele origin: germline. Affected: yes.
Comment: Not observed in large population cohorts (Lek et al., 2016); In silico analysis supports that this missense variant has a deleterious effect on protein structure/function; Has not been previously published as pathogenic or benign to our knowledge

NM_001042681.2(RERE):c.2336C>G (p.Pro779Arg)

Gene: RERE (arginine-glutamic acid dipeptide repeats; minus strand). Cytogenetic location: 1p36.23.
Variant type: single nucleotide variant.
Coding change: c.2336C>G on transcript NM_001042681.2 (MANE Select); coding-DNA position 2336, C replaced by G.
Protein change: p.Pro779Arg; replaces proline 779 with arginine.
Molecular consequence: missense variant.
Genome position (GRCh38, 1-based): chr1:8,361,171, G>C on the plus strand (C>G on the coding strand, the complement: RERE is on the minus strand). VCF-style: chr1-8361171-G-C. GRCh37 (hg19) VCF-style: chr1-8421231-G-C.
Other names: c.674C>G, p.Pro225Arg (NM_001042682.2); c.2336C>G, p.Pro779Arg (NM_012102.4); short protein forms P225R, P779R.
Identifiers: ClinVar variation 1313033 (VCV001313033.2), dbSNP rs1290122807, ClinGen allele CA338172805.